The following is an entry in ClinVar:

ClinVar aggregate classification (germline): Uncertain significance. Review status: criteria provided, multiple submitters, no conflicts (2 of 4 stars). 3 submissions from 3 submitters: Uncertain significance (3). Last evaluated 2026-04-01.

Conditions:
Inborn genetic diseases. Identifiers: MedGen C0950123, MeSH D030342.
Intestinal hypomagnesemia 1. Also called: HYPOMAGNESEMIA, INTESTINAL, WITH SECONDARY HYPOCALCEMIA; HYPOMAGNESEMIC TETANY. Identifiers: Orphanet 30924, MedGen C1865974, MONDO:0011176, OMIM 602014.

Allele frequency attached by ClinVar (database versions not stated): gnomAD exomes 0.00001.
gnomAD v4.1: 10 of 1,612,886 alleles (0.00062%); highest among the groups gnomAD compares: Non-Finnish European, 0.00076%; no homozygotes.

Submissions (3):

CeGaT Center for Human Genetics Tuebingen
Classification: Uncertain significance. Last evaluated: 2026-04-01. Review status: criteria provided, single submitter. Criteria: CeGaT Center For Human Genetics Tuebingen Variant Classification Criteria Version 2. Collection method: clinical testing. Allele origin: germline. Affected: yes. Observed: 1 variant allele.
Comment: TRPM6: PM2, BP4

Fulgent Genetics
Classification: Uncertain significance for Intestinal hypomagnesemia 1. Last evaluated: 2024-03-21. Review status: criteria provided, single submitter. Criteria: ACMG Guidelines, 2015. Collection method: clinical testing. Allele origin: germline.

Ambry Genetics
Classification: Uncertain significance for Inborn genetic diseases. Last evaluated: 2023-05-23. Review status: criteria provided, single submitter. Criteria: Ambry Variant Classification Scheme 2023. Collection method: clinical testing. Allele origin: germline.

NM_017662.5(TRPM6):c.3214G>A (p.Val1072Ile)

Gene: TRPM6 (transient receptor potential cation channel subfamily M member 6; minus strand). Cytogenetic location: 9q21.13.
Variant type: single nucleotide variant.
Coding change: c.3214G>A on transcript NM_017662.5 (MANE Select); coding-DNA position 3214, G replaced by A.
Protein change: p.Val1072Ile; replaces valine 1072 with isoleucine.
Molecular consequence: missense variant.
Genome position (GRCh38, 1-based): chr9:74,776,072, C>T on the plus strand (G>A on the coding strand, the complement: TRPM6 is on the minus strand). VCF-style: chr9-74776072-C-T. GRCh37 (hg19) VCF-style: chr9-77390988-C-T.
Other names: c.3199G>A, p.Val1067Ile (NM_001177310.2, NM_001177311.2); short protein forms V1067I, V1072I.
Identifiers: ClinVar variation 2549913 (VCV002549913.5), dbSNP rs1305503623, ClinGen allele CA373668874.
Genomic context (GRCh38, chr9:74,776,072, plus strand): 5'-TGTAGCGATAGCGGTTGTATTTCCACAGGTTATTTGAAATGGATTCCATATCTAAGTAAA[C>T]GTTGCTGTAAGATGAAGTAAGAGAGGGACAATGTTTTAATATGAAGTCTTGAAAGGTAAC-3'
Protein context (NP_060132.3, residues 1062-1082): VNLLIAFFNN[Val1072Ile]YLDMESISNN